The following is an entry in ClinVar:

ClinVar aggregate classification (germline): Likely pathogenic (1 of 4 stars; one submission).

Conditions:
TRRAP-related neurodevelopmental disorder.

Submission:

Illumina Laboratory Services, Illumina
Classification: Likely pathogenic for TRRAP-related neurodevelopmental disorder. Last evaluated: 2021-06-24. Review status: criteria provided, single submitter. Criteria: ICSLVariantClassificationCriteria RUGD 01 April 2020. Collection method: clinical testing. Allele origin: unknown.
Comment: The TRRAP c.3093T>G (p.Ile1031Met) variant is a missense variant that has been reported to have occurred de novo in one individual with features of TRRAP-related neurodevelopmental disorder, including microcephaly, short stature, developmental delay and intellectual disability, structural brain abnormalities, dysmorphic features, deafness, supernumerary nipples, dysplastic nails, toe syndactyly, small hands and feet, and behavioral abnormalities (Cogne et al. 2019). This variant is not found in version 2.1.1 or version 3.1.1 of the Genome Aggregation Database despite its location in a region of good sequencing coverage, which suggests the variant is rare. The variant is located in a cluster of de novo missense changes that have been suggested to reflect a novel domain and to be associated with a more severe phenotype (Cogne et al. 2019). Based on the available evidence, the p.Ile1031Met variant is classified as likely pathogenic for TRRAP-related neurodevelopmental disorder.

Literature cited by the submitters: PubMed 30827496.

NM_001375524.1(TRRAP):c.3093T>G (p.Ile1031Met)

Gene: TRRAP (transformation/transcription domain associated protein; plus strand). Cytogenetic location: 7q22.1.
Variant type: single nucleotide variant.
Coding change: c.3093T>G on transcript NM_001375524.1 (MANE Select); coding-DNA position 3093, T replaced by G.
Protein change: p.Ile1031Met; replaces isoleucine 1031 with methionine.
Molecular consequence: missense variant.
Genome position (GRCh38, 1-based): chr7:98,927,284, T>G. VCF-style: chr7-98927284-T-G. GRCh37 (hg19) VCF-style: chr7-98524907-T-G.
Other names: c.3093T>G, p.Ile1031Met (NM_001244580.2, NM_003496.4); short protein forms I1031M.
Identifiers: ClinVar variation 1328554 (VCV001328554.4), dbSNP rs1187165148, ClinGen allele CA368297286.